The following is an entry in ClinVar:

ClinVar aggregate classification (germline): Uncertain significance. Review status: criteria provided, multiple submitters, no conflicts (2 of 4 stars). 2 submissions from 2 submitters: Uncertain significance (2). Last evaluated 2021-09-01.

Conditions:
Niemann-Pick disease, type C1. Also called: NEUROVISCERAL STORAGE DISEASE WITH VERTICAL SUPRANUCLEAR OPHTHALMOPLEGIA; NIEMANN-PICK DISEASE WITH CHOLESTEROL ESTERIFICATION BLOCK; NIEMANN-PICK DISEASE WITHOUT SPHINGOMYELINASE DEFICIENCY; NIEMANN-PICK DISEASE, CHRONIC NEURONOPATHIC FORM; NIEMANN-PICK DISEASE, VARIANT TYPE C1. Identifiers: Orphanet 646, MedGen C3179455, MONDO:0009757, OMIM 257220.

Allele frequency attached by ClinVar (database versions not stated): gnomAD exomes below 0.00001 and 0.00002; ExAC 0.00001; gnomAD 0.00001.

Submissions (2):

Labcorp Genetics (formerly Invitae), Labcorp
Classification: Uncertain significance for Niemann-Pick disease, type C1. Last evaluated: 2021-09-01. Review status: criteria provided, single submitter. Criteria: Invitae Variant Classification Sherloc (09022015). Collection method: clinical testing. Allele origin: germline.
Comment: This sequence change replaces leucine with phenylalanine at codon 577 of the NPC1 protein (p.Leu577Phe). The leucine residue is moderately conserved and there is a small physicochemical difference between leucine and phenylalanine. This variant is present in population databases (rs751586141, ExAC 0.001%). This variant has not been reported in the literature in individuals affected with NPC1-related conditions. Algorithms developed to predict the effect of missense changes on protein structure and function are either unavailable or do not agree on the potential impact of this missense change (SIFT: "Deleterious"; PolyPhen-2: "Possibly Damaging"; Align-GVGD: "Class C0"). In summary, the available evidence is currently insufficient to determine the role of this variant in disease. Therefore, it has been classified as a Variant of Uncertain Significance.

Illumina Laboratory Services, Illumina
Classification: Uncertain significance for Niemann-Pick disease type C1. Last evaluated: 2018-01-13. Review status: criteria provided, single submitter. Criteria: ICSL Variant Classification Criteria 13 December 2019. Collection method: clinical testing. Allele origin: germline.

NM_000271.5(NPC1):c.1729C>T (p.Leu577Phe)

Gene: NPC1 (NPC intracellular cholesterol transporter 1; minus strand). Cytogenetic location: 18q11.2.
Variant type: single nucleotide variant.
Coding change: c.1729C>T on transcript NM_000271.5 (MANE Select); coding-DNA position 1729, C replaced by T.
Protein change: p.Leu577Phe; replaces leucine 577 with phenylalanine.
Molecular consequence: missense variant.
Genome position (GRCh38, 1-based): chr18:23,548,034, G>A on the plus strand (C>T on the coding strand, the complement: NPC1 is on the minus strand). VCF-style: chr18-23548034-G-A. GRCh37 (hg19) VCF-style: chr18-21127998-G-A.
Other names: short protein forms L577F.
Identifiers: ClinVar variation 854371 (VCV000854371.7), dbSNP rs751586141, ClinGen allele CA8913386.